The following is an entry in ClinVar:

NM_005518.4(HMGCS2):c.241G>A (p.Ala81Thr)

Gene: HMGCS2 (3-hydroxy-3-methylglutaryl-CoA synthase 2; minus strand). Cytogenetic location: 1p12.
Variant type: single nucleotide variant.
Coding change: c.241G>A on transcript NM_005518.4 (MANE Select); coding-DNA position 241, G replaced by A.
Protein change: p.Ala81Thr; replaces alanine 81 with threonine.
Molecular consequence: missense variant.
Genome position (GRCh38, 1-based): chr1:119,764,490, C>T on the plus strand (G>A on the coding strand, the complement: HMGCS2 is on the minus strand). VCF-style: chr1-119764490-C-T. GRCh37 (hg19) VCF-style: chr1-120307113-C-T.
Other names: c.241G>A, p.Ala81Thr (NM_001166107.1); short protein forms A81T.
Identifiers: ClinVar variation 426647 (VCV000426647.11), dbSNP rs151187711, ClinGen allele CA1037929.

ClinVar aggregate classification (germline): Uncertain significance. Review status: criteria provided, multiple submitters, no conflicts (2 of 4 stars). 3 submissions from 3 submitters: Uncertain significance (3). Last evaluated 2026-02-10.

Conditions:
Inborn genetic diseases. Identifiers: MedGen C0950123, MeSH D030342.
3-hydroxy-3-methylglutaryl-CoA synthase deficiency (HMGCS2D). Also called: HMGCS2 DEFICIENCY; HMG-CoA synthase-2 deficiency; MITOCHONDRIAL HMG-CoA SYNTHASE DEFICIENCY. Identifiers: Orphanet 35701, MedGen C2751532, MONDO:0011614, OMIM 605911.

Allele frequency attached by ClinVar (database versions not stated): gnomAD exomes 0.00004 and 0.00005; ExAC 0.00007; gnomAD 0.00019 and 0.00021; TOPMed 0.00021; ESP Exome Variant Server 0.00023.
gnomAD v4.1: 104 of 1,612,410 alleles (0.0064%); highest among the groups gnomAD compares: African/African-American, 0.065%; 1 homozygote.

Submissions (3):

GeneDx
Classification: Uncertain significance. Last evaluated: 2026-02-10. Review status: criteria provided, single submitter. Criteria: GeneDx Variant Classification Process June 2021. Collection method: clinical testing. Allele origin: germline. Affected: yes.
Comment: Missense variants in this gene are a common cause of disease and they are underrepresented in the general population; In silico analysis suggests that this missense variant does not alter protein structure/function; Has not been previously published as pathogenic or benign to our knowledge

Ambry Genetics
Classification: Uncertain significance for Inborn genetic diseases. Last evaluated: 2025-04-04. Review status: criteria provided, single submitter. Criteria: Ambry Variant Classification Scheme 2023. Collection method: clinical testing. Allele origin: germline.

Labcorp Genetics (formerly Invitae), Labcorp
Classification: Uncertain significance for 3-hydroxy-3-methylglutaryl-CoA synthase deficiency. Last evaluated: 2021-08-31. Review status: criteria provided, single submitter. Criteria: Invitae Variant Classification Sherloc (09022015). Collection method: clinical testing. Allele origin: germline.
Comment: This sequence change replaces alanine with threonine at codon 81 of the HMGCS2 protein (p.Ala81Thr). The alanine residue is highly conserved and there is a small physicochemical difference between alanine and threonine. This variant is present in population databases (rs151187711, ExAC 0.07%). This variant has not been reported in the literature in individuals affected with HMGCS2-related conditions. ClinVar contains an entry for this variant (Variation ID: 426647). Algorithms developed to predict the effect of missense changes on protein structure and function are either unavailable or do not agree on the potential impact of this missense change (SIFT: "Tolerated"; PolyPhen-2: "Possibly Damaging"; Align-GVGD: "Class C0"). In summary, the available evidence is currently insufficient to determine the role of this variant in disease. Therefore, it has been classified as a Variant of Uncertain Significance.